The following is an entry in ClinVar:

ClinVar aggregate classification (germline): Conflicting classifications of pathogenicity. Review status: criteria provided, conflicting classifications (1 of 4 stars). 3 submissions from 3 submitters: Uncertain significance (1); Likely benign (2). Last evaluated 2025-05-19.

Conditions:
Inborn genetic diseases. Identifiers: MedGen C0950123, MeSH D030342.

Allele frequency attached by ClinVar (database versions not stated): gnomAD exomes 0.00001; ExAC 0.00002; gnomAD 0.00002; TOPMed 0.00003.
gnomAD v4.1: 27 of 1,612,842 alleles (0.0017%); highest among the groups gnomAD compares: Middle Eastern, 0.066%; no homozygotes.

Submissions (3):

Ambry Genetics
Classification: Likely benign for Inborn genetic diseases. Last evaluated: 2025-05-19. Review status: criteria provided, single submitter. Criteria: Ambry Variant Classification Scheme 2023. Collection method: clinical testing. Allele origin: germline.

Blueprint Genetics
Classification: Uncertain significance. Last evaluated: 2024-09-19. Review status: criteria provided, single submitter. Criteria: ACMG Guidelines, 2015. Collection method: clinical testing. Allele origin: germline.

CeGaT Center for Human Genetics Tuebingen
Classification: Likely benign. Last evaluated: 2023-05-01. Review status: criteria provided, single submitter. Criteria: CeGaT Center For Human Genetics Tuebingen Variant Classification Criteria Version 2. Collection method: clinical testing. Allele origin: germline. Affected: yes. Observed: 1 variant allele.
Comment: CIC: BS2

NM_001386298.1(CIC):c.5380G>A (p.Gly1794Ser)

Gene: CIC (capicua transcriptional repressor; plus strand). Cytogenetic location: 19q13.2.
Variant type: single nucleotide variant.
Coding change: c.5380G>A on transcript NM_001386298.1 (MANE Select); coding-DNA position 5380, G replaced by A.
Protein change: p.Gly1794Ser; replaces glycine 1794 with serine.
Molecular consequence: missense variant.
Genome position (GRCh38, 1-based): chr19:42,291,421, G>A. VCF-style: chr19-42291421-G-A. GRCh37 (hg19) VCF-style: chr19-42795573-G-A.
Other names: c.5380G>A, p.Gly1794Ser (NM_001304815.2, NM_001379480.1, NM_001379482.1 and 1 more transcripts); c.2653G>A, p.Gly885Ser (NM_001379484.1, NM_001379485.1, NM_015125.5); c.2653G>A (NM_015125.3); short protein forms G1794S, G885S.
Identifiers: ClinVar variation 2649999 (VCV002649999.25), dbSNP rs779078508, ClinGen allele CA9472303.